The following is an entry in ClinVar:

ClinVar aggregate classification (germline): Uncertain significance (1 of 4 stars; one submission).

Conditions:
Inborn genetic diseases. Identifiers: MedGen C0950123, MeSH D030342.

Submission:

Ambry Genetics
Classification: Uncertain significance for Inborn genetic diseases. Last evaluated: 2024-12-21. Review status: criteria provided, single submitter. Criteria: Ambry Variant Classification Scheme 2023. Collection method: clinical testing. Allele origin: germline.
Comment: The p.S734P variant (also known as c.2200T>C), located in coding exon 13 of the FANCM gene, results from a T to C substitution at nucleotide position 2200. The serine at codon 734 is replaced by proline, an amino acid with similar properties. This amino acid position is conserved. In addition, this alteration is predicted to be tolerated by in silico analysis. Based on the available evidence, the clinical significance of this variant remains unclear.

NM_020937.4(FANCM):c.2200T>C (p.Ser734Pro)

Gene: FANCM (FA complementation group M; plus strand). Cytogenetic location: 14q21.2.
Variant type: single nucleotide variant.
Coding change: c.2200T>C on transcript NM_020937.4 (MANE Select); coding-DNA position 2200, T replaced by C.
Protein change: p.Ser734Pro; replaces serine 734 with proline.
Molecular consequence: missense variant.
Genome position (GRCh38, 1-based): chr14:45,173,094, T>C. VCF-style: chr14-45173094-T-C. GRCh37 (hg19) VCF-style: chr14-45642297-T-C.
Other names: c.2122T>C, p.Ser708Pro (NM_001308133.2); short protein forms S734P, S708P.
Identifiers: ClinVar variation 3848529 (VCV003848529.1).